The following is an entry in ClinVar:

ClinVar aggregate classification (germline): Uncertain significance (1 of 4 stars; one submission).

Conditions:
Hereditary cancer-predisposing syndrome. Also called: Neoplastic Syndromes, Hereditary; Tumor predisposition; Hereditary neoplastic syndrome; Hereditary Cancer Syndrome. Identifiers: Orphanet 140162, MedGen C0027672, MeSH D009386, MONDO:0015356.

gnomAD v4.1: 1 of 1,612,028 alleles (0.000062%); highest among the groups gnomAD compares: Non-Finnish European, 0.000085%; no homozygotes.

Submission:

Ambry Genetics
Classification: Uncertain significance for Hereditary cancer-predisposing syndrome. Last evaluated: 2026-07-27. Review status: criteria provided, single submitter. Criteria: Ambry Variant Classification Scheme 2023. Collection method: clinical testing. Allele origin: germline.
Comment: The p.W781* variant (also known as c.2343G>A), located in coding exon 18 of the POLD1 gene, results from a G to A substitution at nucleotide position 2343. This changes the amino acid from a tryptophan to a stop codon within coding exon 18. This variant is expected to result in protein truncation or nonsense-mediated mRNA decay. However, loss of function has not been established as a mechanism of disease. Based on the available evidence, the clinical significance of this variant remains unclear.

NM_002691.4(POLD1):c.2343G>A (p.Trp781Ter)

Gene: POLD1 (DNA polymerase delta 1, catalytic subunit; plus strand). Cytogenetic location: 19q13.33.
Variant type: single nucleotide variant.
Coding change: c.2343G>A on transcript NM_002691.4 (MANE Select); coding-DNA position 2343, G replaced by A.
Protein change: p.Trp781Ter; replaces tryptophan 781 with a stop codon.
Molecular consequence: nonsense. On other transcripts: non-coding transcript variant (1).
Genome position (GRCh38, 1-based): chr19:50,413,834, G>A. VCF-style: chr19-50413834-G-A. GRCh37 (hg19) VCF-style: chr19-50917091-G-A.
Other names: c.2343G>A, p.Trp781Ter (NM_001256849.1, NM_001438212.1, NM_001438213.1); c.2421G>A, p.Trp807Ter (NM_001308632.1); c.2271G>A, p.Trp757Ter (NM_001438210.1, NM_001438211.1); short protein forms W807*, W757*, W781*.
Identifiers: ClinVar variation 5026991 (VCV005026991.1).